The following is an entry in ClinVar:

ClinVar aggregate classification (germline): Likely pathogenic. Review status: criteria provided, single submitter (1 of 4 stars). 2 submissions from 2 submitters: Likely pathogenic (1). 1 of the submissions does not count toward it. Last evaluated 2025-08-18.

Conditions:
Tuberous sclerosis syndrome (TSC). Also called: Tuberous Sclerosis Complex; Tuberous sclerosis. Identifiers: Orphanet 805, MedGen C0041341, MONDO:0001734.
Isolated focal cortical dysplasia type II (FCORD2). Also called: Focal cortical dysplasia type II; CORTICAL DYSPLASIA OF TAYLOR. Identifiers: Orphanet 268994, MedGen C1846385, MONDO:0011818, OMIM 607341, HP:0032051.

Submissions (2):

Human Genome Lab, NIMHANS, National Institute of Mental Health and Neuro Sciences
Classification: Likely pathogenic for Isolated focal cortical dysplasia type II. Last evaluated: 2025-08-18. Review status: criteria provided, single submitter. Criteria: ACMG Guidelines, 2015. Collection method: clinical testing. Allele origin: somatic. Affected: yes. Observed: 1 variant allele, 1 mosaic individual.
Comment: The stop gained NM_000548.5(TSC2):c.4289G>A (p.Trp1430Ter) is not currently classified as pathogenic or benign in clinical sources. The p.Trp1430Ter variant is novel (not in any individuals) in 1kG All. The p.Trp1430Ter variant is novel (not in any individuals) in gnomAD. This variant is predicted to cause loss of normal protein function through protein truncation. This variant is a stop gained variant which occurs in an exon of TSC2 upstream of where nonsense mediated decay is predicted to occur. There are 278 downstream pathogenic loss of function variants, with the furthest variant being 376 residues downstream of this variant. This indicates that the region is critical to protein function. The gene TSC2 has a low rate of benign loss of function variants as indicated by a low upper bound of the observed/expected confidence interval 0.20. The p.Trp1430Ter variant is a loss of function variant in the gene TSC2, which is intolerant of Loss of Function variants, as indicated by the presence of existing pathogenic loss of function variant NP_000539.2:p.M1_V1807delins12 and 1030 others. (ACMG Criteria: PM2,PVS1)

Tuberous sclerosis database (TSC2)
No classification provided. Condition: TSC. Review status: no classification provided. Criteria: Tuberous Sclerosis Database Assertion Criteria 2015. Collection method: curation. Allele origin: germline. Affected: yes. Not counted in ClinVar's aggregate classification.

NM_000548.5(TSC2):c.4289G>A (p.Trp1430Ter)

Gene: TSC2 (TSC complex subunit 2; plus strand). Cytogenetic location: 16p13.3.
Variant type: single nucleotide variant.
Coding change: c.4289G>A on transcript NM_000548.5 (MANE Select); coding-DNA position 4289, G replaced by A.
Protein change: p.Trp1430Ter; replaces tryptophan 1430 with a stop codon.
Molecular consequence: nonsense.
Genome position (GRCh38, 1-based): chr16:2,084,511, G>A. VCF-style: chr16-2084511-G-A. GRCh37 (hg19) VCF-style: chr16-2134512-G-A.
Other names: c.4088G>A, p.Trp1363Ter (NM_001077183.3); c.4220G>A, p.Trp1407Ter (NM_001114382.3); c.3980G>A, p.Trp1327Ter (NM_001318827.2); c.3944G>A, p.Trp1315Ter (NM_001318829.2); c.3557G>A, p.Trp1186Ter (NM_001318831.2); c.4121G>A, p.Trp1374Ter (NM_001318832.2); c.4091G>A, p.Trp1364Ter (NM_001363528.2); c.4157G>A, p.Trp1386Ter (NM_001370404.1); and 1 more; short protein forms W1430*, W1327*, W1364*, W1387*, W1363*, W1374*, W1407*, W1186*.
Identifiers: ClinVar variation 49290 (VCV000049290.3), dbSNP rs45507198, ClinGen allele CA020199.